The following is an entry in ClinVar:

NM_001458.5(FLNC):c.1650G>A (p.Thr550=)

Gene: FLNC (filamin C; plus strand). Cytogenetic location: 7q32.1.
Variant type: single nucleotide variant.
Coding change: c.1650G>A on transcript NM_001458.5 (MANE Select); coding-DNA position 1650, G replaced by A.
Protein change: p.Thr550=; no amino-acid change (threonine 550 retained).
Molecular consequence: synonymous variant.
Genome position (GRCh38, 1-based): chr7:128,840,648, G>A. VCF-style: chr7-128840648-G-A. GRCh37 (hg19) VCF-style: chr7-128480702-G-A.
Other names: c.1650G>A, p.Thr550= (NM_001127487.2).
Identifiers: ClinVar variation 711592 (VCV000711592.23), dbSNP rs754474889, ClinGen allele CA4474422.

ClinVar aggregate classification (germline): Likely benign. Review status: criteria provided, multiple submitters, no conflicts (2 of 4 stars). 5 submissions from 5 submitters: Likely benign (4). 1 of the submissions does not count toward it. Last evaluated 2026-01-24.

Conditions:
Cardiovascular phenotype. Identifiers: MedGen CN230736.
Myofibrillar myopathy 5. Also called: Filaminopathy (type); FILAMINOPATHY, AUTOSOMAL DOMINANT. Identifiers: Orphanet 171445, MedGen C1836050, MONDO:0012289, OMIM 609524.
Distal myopathy with posterior leg and anterior hand involvement. Also called: WILLIAMS DISTAL MYOPATHY. Identifiers: Orphanet 63273, MedGen C3279722, MONDO:0013550, OMIM 614065.
Hypertrophic cardiomyopathy 26. Also called: Cardiomyopathy, familial hypertrophic, 26. Identifiers: Orphanet 75249, MedGen C4310749, MONDO:0014883, OMIM 617047.
FLNC-related disorder. Also called: FLNC-related condition; FLNC-related disorders.

Allele frequency attached by ClinVar (database versions not stated): ExAC 0.00002; TOPMed 0.00002.
gnomAD v4.1: 27 of 1,614,216 alleles (0.0017%); highest among the groups gnomAD compares: Middle Eastern, 0.016%; no homozygotes.

Submissions (5):

Labcorp Genetics (formerly Invitae), Labcorp
Classification: Likely benign for Distal myopathy with posterior leg and anterior hand involvement; Myofibrillar myopathy 5; Hypertrophic cardiomyopathy 26. Last evaluated: 2026-01-24. Review status: criteria provided, single submitter. Criteria: Invitae Variant Classification Sherloc (09022015). Collection method: clinical testing. Allele origin: germline.

Molecular Diagnostic Laboratory for Inherited Cardiovascular Disease, Montreal Heart Institute
Classification: Likely benign. Last evaluated: 2025-04-09. Review status: criteria provided, single submitter. Criteria: ACMG Guidelines, 2015. Collection method: clinical testing. Allele origin: germline. Affected: no.
Comment: BP6;BP7

Blueprint Genetics
Classification: Likely benign. Last evaluated: 2023-04-24. Review status: criteria provided, single submitter. Criteria: ACMG Guidelines, 2015. Collection method: clinical testing. Allele origin: germline.

Ambry Genetics
Classification: Likely benign for Cardiovascular phenotype. Last evaluated: 2020-09-13. Review status: criteria provided, single submitter. Criteria: Ambry Variant Classification Scheme 2023. Collection method: clinical testing. Allele origin: germline.

PreventionGenetics, part of Exact Sciences
Classification: Likely benign for FLNC-related condition. Last evaluated: 2020-09-24. Review status: no assertion criteria provided. Collection method: clinical testing. Allele origin: germline. Not counted in ClinVar's aggregate classification.
Comment: This variant is classified as likely benign based on ACMG/AMP sequence variant interpretation guidelines (Richards et al. 2015 PMID: 25741868, with internal and published modifications).